The following is an entry in ClinVar:

ClinVar aggregate classification (germline): Uncertain significance (1 of 4 stars; one submission).

Conditions:
Alstrom syndrome (ALMS). Identifiers: Orphanet 64, MedGen C0268425, MONDO:0008763, OMIM 203800.

Submission:

Labcorp Genetics (formerly Invitae), Labcorp
Classification: Uncertain significance for Alstrom syndrome. Last evaluated: 2022-02-24. Review status: criteria provided, single submitter. Criteria: Invitae Variant Classification Sherloc (09022015). Collection method: clinical testing. Allele origin: germline.
Comment: This sequence change replaces arginine, which is basic and polar, with lysine, which is basic and polar, at codon 3805 of the ALMS1 protein (p.Arg3805Lys). This variant is not present in population databases (gnomAD no frequency). This variant has not been reported in the literature in individuals affected with ALMS1-related conditions. Experimental studies and prediction algorithms are not available or were not evaluated, and the functional significance of this variant is currently unknown. In summary, the available evidence is currently insufficient to determine the role of this variant in disease. Therefore, it has been classified as a Variant of Uncertain Significance.

NM_001378454.1(ALMS1):c.11411G>A (p.Arg3804Lys)

Gene: ALMS1 (ALMS1 centrosome and basal body associated protein; plus strand). Cytogenetic location: 2p13.1.
Variant type: single nucleotide variant.
Coding change: c.11411G>A on transcript NM_001378454.1 (MANE Select); coding-DNA position 11411, G replaced by A.
Protein change: p.Arg3804Lys; replaces arginine 3804 with lysine.
Molecular consequence: missense variant.
Genome position (GRCh38, 1-based): chr2:73,573,288, G>A. VCF-style: chr2-73573288-G-A. GRCh37 (hg19) VCF-style: chr2-73800415-G-A.
Other names: c.11414G>A, p.Arg3805Lys (NM_015120.4); short protein forms R3804K, R3805K.
Identifiers: ClinVar variation 1366242 (VCV001366242.3), dbSNP rs201028172, ClinGen allele CA347289624.